The following is an entry in ClinVar:

NM_004519.4(KCNQ3):c.2469dup (p.Ser824fs)

Gene: KCNQ3 (potassium voltage-gated channel subfamily Q member 3; minus strand). Cytogenetic location: 8q24.22.
Variant type: Duplication.
Coding change: c.2469dup on transcript NM_004519.4 (MANE Select); coding-DNA position 2469, one base duplicated (G; older notation c.2469dupG).
Protein change: p.Ser824fs; shifts the reading frame from serine 824.
Molecular consequence: frameshift variant.
Genome position (GRCh38, 1-based): chr8:132,129,412, C duplicated on the plus strand (G on the coding strand, the reverse complement: KCNQ3 is on the minus strand); the first of 6 consecutive C bases (chr8:132,129,412-132,129,417); duplicating any one gives the same sequence. VCF-style (leftmost placement, unchanged base first): chr8-132129411-A-AC. GRCh37 (hg19) VCF-style: chr8-133141658-A-AC.
Other names: c.2109dup, p.Ser704fs (NM_001204824.2); c.2469dup (NM_004519.3); c.2469dupG (NM_004519.3); short protein forms S824fs, S704fs.
Identifiers: ClinVar variation 279820 (VCV000279820.9), dbSNP rs886041208, ClinGen allele CA10603058.
Genomic context (GRCh38, chr8:132,129,411, plus strand): 5'-GGTCCGTGTCTGTGTCCGTCTCACCCTCGGCGAGGTACCGCTTCTCCCTCATCCAGCTCG[A>AC]CCCCCCATTGGGGCCGAACACATAATCATCTCTGTCCTGGGAGATGCTGAAGCCACTTGG-3'

ClinVar aggregate classification (germline): Uncertain significance. Review status: criteria provided, multiple submitters, no conflicts (2 of 4 stars). 3 submissions from 3 submitters: Uncertain significance (3). Last evaluated 2026-02-20.

Conditions:
Seizures, benign familial neonatal, 2. Also called: Benign Neonatal Epilepsy 2; Seizures, benign neonatal, 2; CONVULSIONS, BENIGN FAMILIAL NEONATAL, 2; KCNQ3-Related Benign Familial Neonatal Epilepsy; KCNQ3-Related Self-Limited Familial Neonatal Epilepsy (SLFNE). Identifiers: Orphanet 1949, MedGen C1852581, MONDO:0007366, OMIM 121201.
Benign neonatal seizures. Also called: Benign familial neonatal epilepsy; Benign familial neonatal seizures; Benign neonatal familial convulsions; Convulsions benign familial neonatal dominant form; Autosomal dominant form of benign neonatal seizures. Identifiers: Orphanet 1949, MedGen C0220669, MONDO:0016027.

Submissions (3):

Genetics and Genomic Medicine Centre, NeuroGen Healthcare, NeuroGen Healthcare
Classification: Uncertain significance for Seizures, benign familial neonatal, 2. Last evaluated: 2026-02-20. Review status: criteria provided, single submitter. Criteria: ACMG Guidelines, 2015. Collection method: clinical testing. Allele origin: unknown. Affected: yes.

GeneDx
Classification: Uncertain significance. Last evaluated: 2024-08-20. Review status: criteria provided, single submitter. Criteria: GeneDx Variant Classification Process June 2021. Collection method: clinical testing. Allele origin: germline. Affected: yes.
Comment: Not observed at significant frequency in large population cohorts (gnomAD); Frameshift variant predicted to result in protein truncation in a gene or region of a gene for which loss of function is not a well-established mechanism of disease; Has not been previously published as pathogenic or benign to our knowledge

Labcorp Genetics (formerly Invitae), Labcorp
Classification: Uncertain significance for Benign neonatal seizures. Last evaluated: 2022-08-28. Review status: criteria provided, single submitter. Criteria: Invitae Variant Classification Sherloc (09022015). Collection method: clinical testing. Allele origin: germline.
Comment: This sequence change creates a premature translational stop signal (p.Ser824Valfs*14) in the KCNQ3 gene. While this is not anticipated to result in nonsense mediated decay, it is expected to disrupt the last 49 amino acid(s) of the KCNQ3 protein. This variant is not present in population databases (gnomAD no frequency). In summary, the available evidence is currently insufficient to determine the role of this variant in disease. Therefore, it has been classified as a Variant of Uncertain Significance. Experimental studies and prediction algorithms are not available or were not evaluated, and the functional significance of this variant is currently unknown. ClinVar contains an entry for this variant (Variation ID: 279820). This variant has not been reported in the literature in individuals affected with KCNQ3-related conditions.